The following is an entry in ClinVar:

NM_203446.3(SYNJ1):c.3709C>T (p.Leu1237Phe)

Gene: SYNJ1 (synaptojanin 1; minus strand). Cytogenetic location: 21q22.11.
Variant type: single nucleotide variant.
Coding change: c.3709C>T on transcript NM_203446.3 (MANE Select); coding-DNA position 3709, C replaced by T.
Protein change: p.Leu1237Phe; replaces leucine 1237 with phenylalanine.
Molecular consequence: missense variant.
Genome position (GRCh38, 1-based): chr21:32,639,114, G>A on the plus strand (C>T on the coding strand, the complement: SYNJ1 is on the minus strand). VCF-style: chr21-32639114-G-A. GRCh37 (hg19) VCF-style: chr21-34011424-G-A.
Other names: c.3661C>T, p.Leu1221Phe (NM_001160302.2); c.3568C>T, p.Leu1190Phe (NM_001160306.2); c.3826C>T, p.Leu1276Phe (NM_003895.4); short protein forms L1221F, L1190F, L1237F, L1276F.
Identifiers: ClinVar variation 2090211 (VCV002090211.4), dbSNP rs2039711489, ClinGen allele CA410087417.
Genomic context (GRCh38, chr21:32,639,114, plus strand): 5'-CAGGCGGGGGCAAAGAAGACTGCGGAGGAAAAGCAGCCTGAGGCTTCAGTGGTTCAGGAA[G>A]GAAAGTTGAACCTAAAAAACCAGTGGTTGTCAGATGTTAGGTATATTCTAGAAAACCATG-3'
Protein context (NP_982271.3, residues 1227-1247): TSETSKGSTF[Leu1237Phe]PEPLKPQAAF

ClinVar aggregate classification (germline): Uncertain significance (1 of 4 stars; one submission).

Conditions:
Developmental and epileptic encephalopathy, 53. Also called: Epileptic encephalopathy, early infantile, 53. Identifiers: MedGen C4479313, MONDO:0033362, OMIM 617389.
Early-onset Parkinson disease 20. Also called: PARKINSON DISEASE 20, AUTOSOMAL RECESSIVE EARLY-ONSET. Identifiers: Orphanet 391411, MedGen C3809824, MONDO:0014233, OMIM 615530.

Submission:

Labcorp Genetics (formerly Invitae), Labcorp
Classification: Uncertain significance for Developmental and epileptic encephalopathy, 53; Early-onset Parkinson disease 20. Last evaluated: 2022-01-27. Review status: criteria provided, single submitter. Criteria: Invitae Variant Classification Sherloc (09022015). Collection method: clinical testing. Allele origin: germline.
Comment: In summary, the available evidence is currently insufficient to determine the role of this variant in disease. Therefore, it has been classified as a Variant of Uncertain Significance. Algorithms developed to predict the effect of missense changes on protein structure and function are either unavailable or do not agree on the potential impact of this missense change (SIFT: "Deleterious"; PolyPhen-2: "Probably Damaging"; Align-GVGD: "Class C0"). This variant has not been reported in the literature in individuals affected with SYNJ1-related conditions. This variant is not present in population databases (gnomAD no frequency). This sequence change replaces leucine, which is neutral and non-polar, with phenylalanine, which is neutral and non-polar, at codon 1276 of the SYNJ1 protein (p.Leu1276Phe).